The following is an entry in ClinVar:

ClinVar aggregate classification (germline): Uncertain significance (1 of 4 stars; one submission).

Allele frequency attached by ClinVar (database versions not stated): gnomAD 0.00001; gnomAD exomes 0.00001; TOPMed 0.00001.

Submission:

Ambry Genetics
Classification: Uncertain significance. Last evaluated: 2022-08-05. Review status: criteria provided, single submitter. Criteria: Ambry Variant Classification Scheme 2023. Collection method: clinical testing. Allele origin: germline.
Comment: The p.N277S variant (also known as c.830A>G), located in coding exon 1 of the EGLN2 gene, results from an A to G substitution at nucleotide position 830. The asparagine at codon 277 is replaced by serine, an amino acid with highly similar properties. This amino acid position is conserved. In addition, this alteration is predicted to be tolerated by in silico analysis. Since supporting evidence is limited at this time, the clinical significance of this alteration remains unclear.

NM_080732.4(EGLN2):c.830A>G (p.Asn277Ser)

Genes: EGLN2 (egl-9 family hypoxia inducible factor 2; plus strand), RAB4B-EGLN2 (RAB4B-EGLN2 readthrough (NMD candidate); plus strand). Cytogenetic location: 19q13.2.
Variant type: single nucleotide variant.
Coding change: c.830A>G on transcript NM_080732.4 (MANE Select); coding-DNA position 830, A replaced by G.
Protein change: p.Asn277Ser; replaces asparagine 277 with serine.
Molecular consequence: missense variant. On other transcripts: non-coding transcript variant (1).
Genome position (GRCh38, 1-based): chr19:40,801,402, A>G. VCF-style: chr19-40801402-A-G. GRCh37 (hg19) VCF-style: chr19-41307307-A-G.
Other names: c.830A>G, p.Asn277Ser (NM_053046.4); short protein forms N277S.
Identifiers: ClinVar variation 1762859 (VCV001762859.2), dbSNP rs2083257187, ClinGen allele CA405956062.